The following is an entry in ClinVar:

ClinVar aggregate classification (germline): Uncertain significance (1 of 4 stars; one submission).

Conditions:
Colorectal cancer, hereditary nonpolyposis, type 7. Identifiers: Orphanet 144, MedGen C1858380, MONDO:0013725, OMIM 614385.

Submission:

Labcorp Genetics (formerly Invitae), Labcorp
Classification: Uncertain significance for Colorectal cancer, hereditary nonpolyposis, type 7. Last evaluated: 2022-04-16. Review status: criteria provided, single submitter. Criteria: Invitae Variant Classification Sherloc (09022015). Collection method: clinical testing. Allele origin: germline.
Comment: In summary, the available evidence is currently insufficient to determine the role of this variant in disease. Therefore, it has been classified as a Variant of Uncertain Significance. Algorithms developed to predict the effect of missense changes on protein structure and function output the following: SIFT: "Tolerated"; PolyPhen-2: "Benign"; Align-GVGD: "Class C0". The arginine amino acid residue is found in multiple mammalian species, which suggests that this missense change does not adversely affect protein function. This variant has not been reported in the literature in individuals affected with MLH3-related conditions. This variant is not present in population databases (gnomAD no frequency). This sequence change replaces serine, which is neutral and polar, with arginine, which is basic and polar, at codon 1135 of the MLH3 protein (p.Ser1135Arg).

NM_001040108.2(MLH3):c.3405C>A (p.Ser1135Arg)

Gene: MLH3 (mutL homolog 3; minus strand). Cytogenetic location: 14q24.3.
Variant type: single nucleotide variant.
Coding change: c.3405C>A on transcript NM_001040108.2 (MANE Select); coding-DNA position 3405, C replaced by A.
Protein change: p.Ser1135Arg; replaces serine 1135 with arginine.
Molecular consequence: missense variant.
Genome position (GRCh38, 1-based): chr14:75,041,675, G>T on the plus strand (C>A on the coding strand, the complement: MLH3 is on the minus strand). VCF-style: chr14-75041675-G-T. GRCh37 (hg19) VCF-style: chr14-75508378-G-T.
Other names: c.3405C>A, p.Ser1135Arg (NM_014381.3); short protein forms S1135R.
Identifiers: ClinVar variation 2127052 (VCV002127052.4), dbSNP rs746155226, ClinGen allele CA390430992.